The following is an entry in ClinVar:

NM_005732.4(RAD50):c.2179G>C (p.Asp727His)

Gene: RAD50 (RAD50 double strand break repair protein; plus strand). Cytogenetic location: 5q31.1.
Variant type: single nucleotide variant.
Coding change: c.2179G>C on transcript NM_005732.4 (MANE Select); coding-DNA position 2179, G replaced by C.
Protein change: p.Asp727His; replaces aspartic acid 727 with histidine.
Molecular consequence: missense variant.
Genome position (GRCh38, 1-based): chr5:132,595,782, G>C. VCF-style: chr5-132595782-G-C. GRCh37 (hg19) VCF-style: chr5-131931474-G-C.
Other names: short protein forms D727H.
Identifiers: ClinVar variation 4678098 (VCV004678098.1).

ClinVar aggregate classification (germline): Uncertain significance (1 of 4 stars; one submission).

Conditions:
Hereditary cancer-predisposing syndrome. Also called: Neoplastic Syndromes, Hereditary; Tumor predisposition; Hereditary Cancer Syndrome; Hereditary neoplastic syndrome. Identifiers: Orphanet 140162, MedGen C0027672, MeSH D009386, MONDO:0015356.

Submission:

Ambry Genetics
Classification: Uncertain significance for Hereditary cancer-predisposing syndrome. Last evaluated: 2025-11-12. Review status: criteria provided, single submitter. Criteria: Ambry Variant Classification Scheme 2023. Collection method: clinical testing. Allele origin: germline.
Comment: The p.D727H variant (also known as c.2179G>C), located in coding exon 13 of the RAD50 gene, results from a G to C substitution at nucleotide position 2179. The aspartic acid at codon 727 is replaced by histidine, an amino acid with similar properties. This amino acid position is conserved. In addition, the in silico prediction for this alteration is inconclusive. Based on the available evidence, the clinical significance of this variant remains unclear.